The following is an entry in ClinVar:

NM_032242.4(PLXNA1):c.318C>T (p.His106=)

Gene: PLXNA1 (plexin A1; plus strand). Cytogenetic location: 3q21.3.
Variant type: single nucleotide variant.
Coding change: c.318C>T on transcript NM_032242.4 (MANE Select); coding-DNA position 318, C replaced by T.
Protein change: p.His106=; no amino-acid change (histidine 106 retained).
Molecular consequence: synonymous variant.
Genome position (GRCh38, 1-based): chr3:126,988,911, C>T. VCF-style: chr3-126988911-C-T. GRCh37 (hg19) VCF-style: chr3-126707754-C-T.
Identifiers: ClinVar variation 4978326 (VCV004978326.1).
Genomic context (GRCh38, chr3:126,988,911, plus strand): 5'-GGGCCCTGTGGAGGACAACGAGAAGTGCTACCCGCCGCCCAGCGTGCAGTCCTGCCCCCA[C>T]GGCCTGGGCAGTACTGACAACGTCAACAAGCTGCTGCTGCTGGACTATGCCGCTAACCGC-3'
Protein context (NP_115618.3, residues 96-116): YPPPSVQSCP[His106=]GLGSTDNVNK

ClinVar aggregate classification (germline): Likely benign (1 of 4 stars; one submission).

Conditions:
PLXNA1-related disorder. Also called: PLXNA1-related condition.

gnomAD v4.1: 34 of 1,613,158 alleles (0.0021%); highest among the groups gnomAD compares: East Asian, 0.013%; no homozygotes.

Submission:

PreventionGenetics, part of Exact Sciences
Classification: Likely benign for PLXNA1-related condition. Last evaluated: 2025-09-30. Review status: criteria provided, single submitter. Criteria: ACMG Guidelines, 2015. Collection method: clinical testing. Allele origin: germline.
Comment: This variant is classified as likely benign based on ACMG/AMP sequence variant interpretation guidelines (Richards et al. 2015 PMID: 25741868, with internal and published modifications).